The following is an entry in ClinVar:

ClinVar aggregate classification (germline): Uncertain significance (1 of 4 stars; one submission).

Conditions:
Hereditary cancer-predisposing syndrome. Also called: Neoplastic Syndromes, Hereditary; Tumor predisposition; Hereditary Cancer Syndrome; Hereditary neoplastic syndrome. Identifiers: Orphanet 140162, MedGen C0027672, MeSH D009386, MONDO:0015356.

Submission:

Ambry Genetics
Classification: Uncertain significance for Hereditary cancer-predisposing syndrome. Last evaluated: 2024-09-06. Review status: criteria provided, single submitter. Criteria: Ambry Variant Classification Scheme 2023. Collection method: clinical testing. Allele origin: germline.
Comment: The p.I262M variant (also known as c.786C>G), located in coding exon 2 of the HOXB13 gene, results from a C to G substitution at nucleotide position 786. The isoleucine at codon 262 is replaced by methionine, an amino acid with highly similar properties. This amino acid position is highly conserved in available vertebrate species. In addition, this alteration is predicted to be deleterious by in silico analysis. Based on the available evidence, the clinical significance of this variant remains unclear.

NM_006361.6(HOXB13):c.786C>G (p.Ile262Met)

Gene: HOXB13 (homeobox B13; minus strand). Cytogenetic location: 17q21.32.
Variant type: single nucleotide variant.
Coding change: c.786C>G on transcript NM_006361.6 (MANE Select); coding-DNA position 786, C replaced by G.
Protein change: p.Ile262Met; replaces isoleucine 262 with methionine.
Molecular consequence: missense variant.
Genome position (GRCh38, 1-based): chr17:48,726,859, G>C on the plus strand (C>G on the coding strand, the complement: HOXB13 is on the minus strand). VCF-style: chr17-48726859-G-C. GRCh37 (hg19) VCF-style: chr17-46804221-G-C.
Other names: short protein forms I262M.
Identifiers: ClinVar variation 1760946 (VCV001760946.3), dbSNP rs2038215864, ClinGen allele CA400105743.